The following is an entry in ClinVar:

ClinVar aggregate classification (germline): Uncertain significance (1 of 4 stars; one submission).

gnomAD v4.1: 20 of 1,614,136 alleles (0.0012%); highest among the groups gnomAD compares: Non-Finnish European, 0.0017%; no homozygotes.

Submission:

Labcorp Genetics (formerly Invitae), Labcorp
Classification: Uncertain significance. Last evaluated: 2024-02-20. Review status: criteria provided, single submitter. Criteria: Invitae Variant Classification Sherloc (09022015). Collection method: clinical testing. Allele origin: germline.
Comment: This sequence change replaces histidine, which is basic and polar, with arginine, which is basic and polar, at codon 915 of the MBTPS1 protein (p.His915Arg). This variant is present in population databases (rs765277144, gnomAD 0.002%). This variant has not been reported in the literature in individuals affected with MBTPS1-related conditions. Algorithms developed to predict the effect of missense changes on protein structure and function output the following: SIFT: "Not Available"; PolyPhen-2: "Benign"; Align-GVGD: "Not Available". The arginine amino acid residue is found in multiple mammalian species, which suggests that this missense change does not adversely affect protein function. In summary, the available evidence is currently insufficient to determine the role of this variant in disease. Therefore, it has been classified as a Variant of Uncertain Significance.

NM_003791.4(MBTPS1):c.2744A>G (p.His915Arg)

Gene: MBTPS1 (membrane bound transcription factor peptidase, site 1; minus strand). Cytogenetic location: 16q23.3.
Variant type: single nucleotide variant.
Coding change: c.2744A>G on transcript NM_003791.4 (MANE Select); coding-DNA position 2744, A replaced by G.
Protein change: p.His915Arg; replaces histidine 915 with arginine.
Molecular consequence: missense variant.
Genome position (GRCh38, 1-based): chr16:84,059,389, T>C on the plus strand (A>G on the coding strand, the complement: MBTPS1 is on the minus strand). VCF-style: chr16-84059389-T-C. GRCh37 (hg19) VCF-style: chr16-84092994-T-C.
Other names: short protein forms H915R.
Identifiers: ClinVar variation 3606453 (VCV003606453.2).
Genomic context (GRCh38, chr16:84,059,389, plus strand): 5'-GGCTTGGCCCAAGACAAGCGTGGACAGGCTGGTAGAGGCCGAGGTTTTGGGTCTCCCAAA[T>C]GGGCCTCCAGAACCTTGGAGTACCGATGAAGATGGTTTCCTGTGGTTAGCAGCAACATCA-3'
Protein context (NP_003782.1, residues 905-925): LHRYSKVLEA[His915Arg]LGDPKPRPLP